The following is an entry in ClinVar:

NM_001205293.3(CACNA1E):c.183C>T (p.Asn61=)

Gene: CACNA1E (calcium voltage-gated channel subunit alpha1 E; plus strand). Cytogenetic location: 1q25.3.
Variant type: single nucleotide variant.
Coding change: c.183C>T on transcript NM_001205293.3 (MANE Select); coding-DNA position 183, C replaced by T.
Protein change: p.Asn61=; no amino-acid change (asparagine 61 retained).
Molecular consequence: synonymous variant.
Genome position (GRCh38, 1-based): chr1:181,483,927, C>T. VCF-style: chr1-181483927-C-T. GRCh37 (hg19) VCF-style: chr1-181453063-C-T.
Other names: c.183C>T, p.Asn61= (NM_000721.4, NM_001205294.2); c.183C>T (NM_000721.3).
Identifiers: ClinVar variation 1599576 (VCV001599576.11), dbSNP rs372445856, ClinGen allele CA1274840.

ClinVar aggregate classification (germline): Benign/Likely benign. Review status: criteria provided, multiple submitters, no conflicts (2 of 4 stars). 3 submissions from 3 submitters: Benign (1); Likely benign (1). 1 of the submissions does not count toward it. Last evaluated 2025-08-13.

Conditions:
CACNA1E-related disorder. Also called: CACNA1E-related condition.

Allele frequency attached by ClinVar (database versions not stated): gnomAD exomes 0.00004 and 0.00005; ExAC 0.00007; gnomAD 0.00024 and 0.00028; TOPMed 0.00026; ESP Exome Variant Server 0.00033.
gnomAD v4.1: 117 of 1,613,748 alleles (0.0073%); highest among the groups gnomAD compares: African/African-American, 0.11%; no homozygotes.

Submissions (3):

Labcorp Genetics (formerly Invitae), Labcorp
Classification: Benign. Last evaluated: 2025-08-13. Review status: criteria provided, single submitter. Criteria: Invitae Variant Classification Sherloc (09022015). Collection method: clinical testing. Allele origin: germline.

Blueprint Genetics
Classification: Likely benign. Last evaluated: 2020-11-06. Review status: criteria provided, single submitter. Criteria: ACMG Guidelines, 2015. Collection method: clinical testing. Allele origin: germline.

PreventionGenetics, part of Exact Sciences
Classification: Likely benign for CACNA1E-related condition. Last evaluated: 2019-07-24. Review status: no assertion criteria provided. Collection method: clinical testing. Allele origin: germline. Not counted in ClinVar's aggregate classification.
Comment: This variant is classified as likely benign based on ACMG/AMP sequence variant interpretation guidelines (Richards et al. 2015 PMID: 25741868, with internal and published modifications).